The following is an entry in ClinVar:

ClinVar aggregate classification (germline): Benign. Review status: criteria provided, multiple submitters, no conflicts (2 of 4 stars). 4 submissions from 4 submitters: Benign (3). 1 of the submissions does not count toward it. Last evaluated 2026-01-27.

Conditions:
RPIA-related disorder. Also called: RPIA-related condition.
Deficiency of ribose-5-phosphate isomerase. Also called: Ribose-5-P isomerase deficiency. Identifiers: Orphanet 440706, MedGen C1291609, MONDO:0012073, OMIM 608611.

Allele frequency attached by ClinVar (database versions not stated): ESP Exome Variant Server 0.00399; 1000 Genomes Project 0.00559; 1000 Genomes Project 30x 0.00578; TOPMed 0.00690; gnomAD 0.00870; ExAC 0.01161.
gnomAD v4.1: 10,981 of 1,612,898 alleles (0.68%); highest among the groups gnomAD compares: Admixed American, 4.7%; 137 homozygotes.

Submissions (4):

Labcorp Genetics (formerly Invitae), Labcorp
Classification: Benign. Last evaluated: 2026-01-27. Review status: criteria provided, single submitter. Criteria: Invitae Variant Classification Sherloc (09022015). Collection method: clinical testing. Allele origin: germline.

Illumina Laboratory Services, Illumina
Classification: Benign for Deficiency of ribose-5-phosphate isomerase. Last evaluated: 2018-01-13. Review status: criteria provided, single submitter. Criteria: ICSL Variant Classification Criteria 13 December 2019. Collection method: clinical testing. Allele origin: germline.
Comment: This variant was observed in the ICSL laboratory as part of a predisposition screen in an ostensibly healthy population. It had not been previously curated by ICSL or reported in the Human Gene Mutation Database (HGMD: prior to June 1st, 2018), and was therefore a candidate for classification through an automated scoring system. Utilizing variant allele frequency, disease prevalence and penetrance estimates, and inheritance mode, an automated score was calculated to assess if this variant is too frequent to cause the disease. Based on the score and internal cut-off values, a variant classified as benign is not then subjected to further curation. The score for this variant resulted in a classification of benign for this disease.

Breakthrough Genomics
Classification: Benign. Review status: criteria provided, single submitter. Criteria: ACMG Guidelines, 2015. Collection method: not provided. Allele origin: germline. Inheritance: Autosomal recessive inheritance. Affected: yes.

PreventionGenetics, part of Exact Sciences
Classification: Benign for RPIA-related condition. Last evaluated: 2019-02-21. Review status: no assertion criteria provided. Collection method: clinical testing. Allele origin: germline. Not counted in ClinVar's aggregate classification.
Comment: This variant is classified as benign based on ACMG/AMP sequence variant interpretation guidelines (Richards et al. 2015 PMID: 25741868, with internal and published modifications).

NM_144563.3(RPIA):c.858A>G (p.Leu286=)

Gene: RPIA (ribose 5-phosphate isomerase A; plus strand). Cytogenetic location: 2p11.2.
Variant type: single nucleotide variant.
Coding change: c.858A>G on transcript NM_144563.3 (MANE Select); coding-DNA position 858, A replaced by G.
Protein change: p.Leu286=; no amino-acid change (leucine 286 retained).
Molecular consequence: synonymous variant.
Genome position (GRCh38, 1-based): chr2:88,750,000, A>G. VCF-style: chr2-88750000-A-G. GRCh37 (hg19) VCF-style: chr2-89049517-A-G.
Identifiers: ClinVar variation 337436 (VCV000337436.16), dbSNP rs142341148, ClinGen allele CA1755352.
Genomic context (GRCh38, chr2:88,750,000, plus strand): 5'-GGAGGCTGAAACAATGTTTCTTTCTGTCCTTTGTCCTGCAGGTGTGGTGGACACAGGCCT[A>G]TTCATCAACATGGCTGAGAGAGTCTACTTTGGGATGCAGGATGGCTCAGTGAACATGAGG-3'
Protein context (NP_653164.2, residues 276-296): KMIPGVVDTG[Leu286=]FINMAERVYF